The following is an entry in ClinVar:

ClinVar aggregate classification (germline): Uncertain significance (1 of 4 stars; one submission).

Conditions:
Hereditary cancer-predisposing syndrome. Also called: Tumor predisposition; Hereditary neoplastic syndrome; Hereditary Cancer Syndrome; Neoplastic Syndromes, Hereditary. Identifiers: Orphanet 140162, MedGen C0027672, MeSH D009386, MONDO:0015356.

Submission:

Ambry Genetics
Classification: Uncertain significance for Hereditary cancer-predisposing syndrome. Last evaluated: 2023-10-12. Review status: criteria provided, single submitter. Criteria: Ambry Variant Classification Scheme 2023. Collection method: clinical testing. Allele origin: germline.
Comment: The p.L1224V variant (also known as c.3670C>G), located in coding exon 24 of the ALK gene, results from a C to G substitution at nucleotide position 3670. The leucine at codon 1224 is replaced by valine, an amino acid with highly similar properties. This amino acid position is conserved. In addition, the in silico prediction for this alteration is inconclusive. Since supporting evidence is limited at this time, the clinical significance of this alteration remains unclear.

NM_004304.5(ALK):c.3670C>G (p.Leu1224Val)

Gene: ALK (ALK receptor tyrosine kinase; minus strand). Cytogenetic location: 2p23.2.
Variant type: single nucleotide variant.
Coding change: c.3670C>G on transcript NM_004304.5 (MANE Select); coding-DNA position 3670, C replaced by G.
Protein change: p.Leu1224Val; replaces leucine 1224 with valine.
Molecular consequence: missense variant.
Genome position (GRCh38, 1-based): chr2:29,214,057, G>C on the plus strand (C>G on the coding strand, the complement: ALK is on the minus strand). VCF-style: chr2-29214057-G-C. GRCh37 (hg19) VCF-style: chr2-29436923-G-C.
Other names: c.466C>G, p.Leu156Val (NM_001353765.2); short protein forms L1224V, L156V.
Identifiers: ClinVar variation 3223870 (VCV003223870.1), dbSNP rs1669535103, ClinGen allele CA346471574.